The following is an entry in ClinVar:

ClinVar aggregate classification (germline): Likely pathogenic. Review status: criteria provided, multiple submitters, no conflicts (2 of 4 stars). 2 submissions from 2 submitters: Likely pathogenic (2). Last evaluated 2024-06-26.

Conditions:
Intellectual disability, autosomal dominant 9 (NESCAVS). Also called: NESCAV SYNDROME; KIF1A-Related Neurodevelopmental Disorder. Identifiers: Orphanet 662367, MedGen C5393830, MONDO:0013656, OMIM 614255.

Submissions (2):

3billion
Classification: Likely pathogenic for Intellectual disability, autosomal dominant 9. Last evaluated: 2024-06-26. Review status: criteria provided, single submitter. Criteria: ACMG Guidelines, 2015. Collection method: clinical testing. Allele origin: germline. Affected: yes.
Comment: The variant is not observed in the gnomAD v4.0.0 dataset. Predicted Consequence/Location: The variant is located in a mutational hot spot and/or well-established functional domain in which established pathogenic variants have been reported (PMID: 31488895). In silico tool predictions suggest damaging effect of the variant on gene or gene product [REVEL: 0.94 (>=0.6, sensitivity 0.68 and specificity 0.92); 3Cnet: 0.98 (>=0.6, sensitivity 0.72 and precision 0.9)]. The same nucleotide change resulting in the same amino acid change has been previously reported to be associated with KIF1A related disorder (ClinVar ID: VCV000974924 /PMID: 32096284).The variant has been previously reported as assumed (i.e. paternity and maternity not confirmed) de novo in at least one similarly affected unrelated individual (PMID: 32096284). Therefore, this variant is classified as Likely pathogenic according to the recommendation of ACMG/AMP guideline.

SIB Swiss Institute of Bioinformatics
Classification: Likely pathogenic for Intellectual disability, autosomal dominant 9. Last evaluated: 2020-06-15. Review status: criteria provided, single submitter. Criteria: ACMG Guidelines, 2015. Collection method: curation. Allele origin: unknown.
Comment: This variant is interpreted as likely pathogenic for NESCAV syndrome, autosomal dominant. The following ACMG Tag(s) were applied: Absent from controls (or at extremely low frequency if recessive) in Exome Sequencing Project, 1000 Genomes Project, or Exome Aggregation Consortium (PM2); Missense variant in a gene that has a low rate of benign missense variation and in which missense variants are a common mechanism of disease (PP2); Multiple lines of computational evidence support a deleterious effect on the gene or gene product (PP3); Assumed de novo, but no confirmation of paternity and maternity (PM6).

Literature cited by the submitters: PubMed 32096284 (cited by 3billion and SIB Swiss Institute of Bioinformatics); PubMed 31488895 (cited by 3billion).

NM_001244008.2(KIF1A):c.556G>T (p.Val186Phe)

Gene: KIF1A (kinesin family member 1A; minus strand). Cytogenetic location: 2q37.3.
Variant type: single nucleotide variant.
Coding change: c.556G>T on transcript NM_001244008.2 (MANE Select); coding-DNA position 556, G replaced by T.
Protein change: p.Val186Phe; replaces valine 186 with phenylalanine.
Molecular consequence: missense variant.
Genome position (GRCh38, 1-based): chr2:240,786,387, C>A on the plus strand (G>T on the coding strand, the complement: KIF1A is on the minus strand). VCF-style: chr2-240786387-C-A. GRCh37 (hg19) VCF-style: chr2-241725804-C-A.
Other names: c.556G>T, p.Val186Phe (NM_001320705.2, NM_001330289.2, NM_001330290.2 and 20 more transcripts); short protein forms V186F.
Identifiers: ClinVar variation 974924 (VCV000974924.2), dbSNP rs2054752278, ClinGen allele CA351305826.